The following is an entry in ClinVar:

ClinVar aggregate classification (germline): Likely pathogenic, low penetrance (1 of 4 stars; one submission).

Conditions:
CFI-related disorder. Also called: CFI-related condition; CFI-related disorders. Identifiers: MedGen CN239325.

gnomAD v4.1: 1 of 1,613,956 alleles (0.000062%); highest among the groups gnomAD compares: Admixed American, 0.0017%; no homozygotes.

Submission:

Genomenon, Inc
Classification: Likely pathogenic, low penetrance for CFI-related disorder. Last evaluated: 2025-09-26. Review status: criteria provided, single submitter. Criteria: Genomenon Sequence Variant Interpretation Standards - Updated. Collection method: curation. Allele origin: germline. Affected: no.
Comment: CFI p.Gly125Arg (c.373G>A) is a missense variant that changes the amino acid at residue 125 from Glycine to Arginine. To our knowledge, this variant has not been reported in patients affected with CFI-related disorders in the published literature. At least one functional study has demonstrated a substantial alteration in protein function relative to the wild-type (PMID:32510551). The variant is located in a mutational hotspot. It is absent or not present at a significant frequency in gnomAD. In silico models agree that this variant is possibly or probably damaging. In conclusion, we classify CFI p.Gly125Arg (c.373G>A) as a likely pathogenic, low penetrance variant.

Literature cited by the submitters: PubMed 32510551.

NM_000204.5(CFI):c.373G>A (p.Gly125Arg)

Gene: CFI (complement factor I; minus strand). Cytogenetic location: 4q25.
Variant type: single nucleotide variant.
Coding change: c.373G>A on transcript NM_000204.5 (MANE Select); coding-DNA position 373, G replaced by A.
Protein change: p.Gly125Arg; replaces glycine 125 with arginine.
Molecular consequence: missense variant. On other transcripts: non-coding transcript variant (3), intron variant (1).
Genome position (GRCh38, 1-based): chr4:109,764,646, C>T on the plus strand (G>A on the coding strand, the complement: CFI is on the minus strand). VCF-style: chr4-109764646-C-T. GRCh37 (hg19) VCF-style: chr4-110685802-C-T.
Other names: c.373G>A, p.Gly125Arg (NM_001318057.2, NM_001331035.2, NM_001375278.1 and 10 more transcripts); c.-127-2954G>A (NM_001375284.1); short protein forms G125R.
Identifiers: ClinVar variation 4280473 (VCV004280473.1).
Genomic context (GRCh38, chr4:109,764,646, plus strand): 5'-AGCTGCTTTTGCATATGAACATTGTCTTATCTTGGTCCACAAGTTTTACTTCAACTATTC[C>T]CTCTGAATCTGTATTTCCATGCTTCAAGGAAACACTAAACTTTCCTAAAATAAAAAAACA-3'
Protein context (NP_000195.3, residues 115-135): SLKHGNTDSE[Gly125Arg]IVEVKLVDQD